The following is an entry in ClinVar:

NM_022089.4(ATP13A2):c.2905G>A (p.Val969Ile)

Gene: ATP13A2 (ATPase cation transporting 13A2; minus strand). Cytogenetic location: 1p36.13.
Variant type: single nucleotide variant.
Coding change: c.2905G>A on transcript NM_022089.4 (MANE Select); coding-DNA position 2905, G replaced by A.
Protein change: p.Val969Ile; replaces valine 969 with isoleucine.
Molecular consequence: missense variant.
Genome position (GRCh38, 1-based): chr1:16,987,224, C>T on the plus strand (G>A on the coding strand, the complement: ATP13A2 is on the minus strand). VCF-style: chr1-16987224-C-T. GRCh37 (hg19) VCF-style: chr1-17313719-C-T.
Other names: c.2890G>A, p.Val964Ile (NM_001141973.3); c.2773G>A, p.Val925Ile (NM_001141974.3); short protein forms V964I, V925I, V969I.
Identifiers: ClinVar variation 1487275 (VCV001487275.8), dbSNP rs769445714, ClinGen allele CA636668.

ClinVar aggregate classification (germline): Uncertain significance (1 of 4 stars; one submission).

Conditions:
Kufor-Rakeb syndrome (KRS). Also called: PARKINSON DISEASE 9, AUTOSOMAL RECESSIVE, JUVENILE-ONSET. Identifiers: Orphanet 306674, Orphanet 314632, MedGen C1847640, MONDO:0011706, OMIM 606693.
Autosomal recessive spastic paraplegia type 78. Identifiers: Orphanet 513436, MedGen C5567893, MONDO:0014975, OMIM 617225.

Allele frequency attached by ClinVar (database versions not stated): gnomAD exomes below 0.00001 and 0.00001; ExAC 0.00001; gnomAD 0.00001; TOPMed 0.00001.

Submission:

Labcorp Genetics (formerly Invitae), Labcorp
Classification: Uncertain significance for Kufor-Rakeb syndrome; Autosomal recessive spastic paraplegia type 78. Last evaluated: 2021-05-09. Review status: criteria provided, single submitter. Criteria: Invitae Variant Classification Sherloc (09022015). Collection method: clinical testing. Allele origin: germline.
Comment: This sequence change replaces valine with isoleucine at codon 969 of the ATP13A2 protein (p.Val969Ile). The valine residue is weakly conserved and there is a small physicochemical difference between valine and isoleucine. This variant is present in population databases (rs769445714, ExAC 0.002%). This variant has not been reported in the literature in individuals with ATP13A2-related conditions. Advanced modeling of protein sequence and biophysical properties (such as structural, functional, and spatial information, amino acid conservation, physicochemical variation, residue mobility, and thermodynamic stability) performed at Invitae indicates that this missense variant is not expected to disrupt ATP13A2 protein function. In summary, the available evidence is currently insufficient to determine the role of this variant in disease. Therefore, it has been classified as a Variant of Uncertain Significance.